The following is an entry in ClinVar:

ClinVar aggregate classification (germline): Uncertain significance (1 of 4 stars; one submission).

gnomAD v4.1: 18 of 1,612,524 alleles (0.0011%); highest among the groups gnomAD compares: Admixed American, 0.023%; no homozygotes.

Submission:

Labcorp Genetics (formerly Invitae), Labcorp
Classification: Uncertain significance. Last evaluated: 2025-03-05. Review status: criteria provided, single submitter. Criteria: Invitae Variant Classification Sherloc (09022015). Collection method: clinical testing. Allele origin: germline.
Comment: This sequence change replaces valine, which is neutral and non-polar, with aspartic acid, which is acidic and polar, at codon 482 of the ITSN2 protein (p.Val482Asp). This variant is present in population databases (rs766717134, gnomAD 0.02%). This variant has not been reported in the literature in individuals affected with ITSN2-related conditions. Experimental studies and prediction algorithms are not available or were not evaluated, and the functional significance of this variant is currently unknown. In summary, the available evidence is currently insufficient to determine the role of this variant in disease. Therefore, it has been classified as a Variant of Uncertain Significance.

NM_006277.3(ITSN2):c.1445T>A (p.Val482Asp)

Gene: ITSN2 (intersectin 2; minus strand). Cytogenetic location: 2p23.3.
Variant type: single nucleotide variant.
Coding change: c.1445T>A on transcript NM_006277.3 (MANE Select); coding-DNA position 1445, T replaced by A.
Protein change: p.Val482Asp; replaces valine 482 with aspartic acid.
Molecular consequence: missense variant.
Genome position (GRCh38, 1-based): chr2:24,298,714, A>T on the plus strand (T>A on the coding strand, the complement: ITSN2 is on the minus strand). VCF-style: chr2-24298714-A-T. GRCh37 (hg19) VCF-style: chr2-24521583-A-T.
Other names: c.1403T>A, p.Val468Asp (NM_001348181.2, NM_001348184.2); c.1445T>A, p.Val482Asp (NM_001348182.2, NM_001348183.2, NM_001348185.2 and 3 more transcripts); short protein forms V468D, V482D.
Identifiers: ClinVar variation 3713852 (VCV003713852.2).